The following is an entry in ClinVar:

NM_004369.4(COL6A3):c.9203C>T (p.Ala3068Val)

Gene: COL6A3 (collagen type VI alpha 3 chain; minus strand). Cytogenetic location: 2q37.3.
Variant type: single nucleotide variant.
Coding change: c.9203C>T on transcript NM_004369.4 (MANE Select); coding-DNA position 9203, C replaced by T.
Protein change: p.Ala3068Val; replaces alanine 3068 with valine.
Molecular consequence: missense variant.
Genome position (GRCh38, 1-based): chr2:237,334,652, G>A on the plus strand (C>T on the coding strand, the complement: COL6A3 is on the minus strand). VCF-style: chr2-237334652-G-A. GRCh37 (hg19) VCF-style: chr2-238243295-G-A.
Other names: c.7382C>T, p.Ala2461Val (NM_057166.5); c.8585C>T, p.Ala2862Val (NM_057167.4); short protein forms A2862V, A3068V, A2461V.
Identifiers: ClinVar variation 2725806 (VCV002725806.3), dbSNP rs776546169, ClinGen allele CA351188039.

ClinVar aggregate classification (germline): Uncertain significance (1 of 4 stars; one submission).

Conditions:
Bethlem myopathy 1A. Also called: Bethlem myopathy 1; Bethlem Muscular Dystrophy; MYOPATHY, BENIGN CONGENITAL, WITH CONTRACTURES. Identifiers: Orphanet 610, MedGen CN029274, MONDO:0024530, OMIM 158810.

Allele frequency attached by ClinVar (database versions not stated): TOPMed below 0.00001.
gnomAD v4.1: 1 of 1,613,568 alleles (0.000062%); highest among the groups gnomAD compares: Non-Finnish European, 0.000085%; no homozygotes.

Submission:

Labcorp Genetics (formerly Invitae), Labcorp
Classification: Uncertain significance for Bethlem myopathy 1A. Last evaluated: 2023-02-13. Review status: criteria provided, single submitter. Criteria: Invitae Variant Classification Sherloc (09022015). Collection method: clinical testing. Allele origin: germline.
Comment: This variant has not been reported in the literature in individuals affected with COL6A3-related conditions. This variant is not present in population databases (gnomAD no frequency). This sequence change replaces alanine, which is neutral and non-polar, with valine, which is neutral and non-polar, at codon 3068 of the COL6A3 protein (p.Ala3068Val). Advanced modeling of protein sequence and biophysical properties (such as structural, functional, and spatial information, amino acid conservation, physicochemical variation, residue mobility, and thermodynamic stability) performed at Invitae indicates that this missense variant is not expected to disrupt COL6A3 protein function. In summary, the available evidence is currently insufficient to determine the role of this variant in disease. Therefore, it has been classified as a Variant of Uncertain Significance.